The following is an entry in ClinVar:

ClinVar aggregate classification (germline): Uncertain significance (1 of 4 stars; one submission).

Conditions:
Compton-North congenital myopathy (CMYO12). Identifiers: Orphanet 210163, MedGen C2675527, MONDO:0012929, OMIM 612540.

Allele frequency attached by ClinVar (database versions not stated): TOPMed below 0.00001; ExAC 0.00001; gnomAD exomes 0.00001.
gnomAD v4.1: 10 of 1,613,892 alleles (0.00062%); highest among the groups gnomAD compares: Non-Finnish European, 0.00085%; no homozygotes.

Submission:

Labcorp Genetics (formerly Invitae), Labcorp
Classification: Uncertain significance for Compton-North congenital myopathy. Last evaluated: 2021-08-20. Review status: criteria provided, single submitter. Criteria: Invitae Variant Classification Sherloc (09022015). Collection method: clinical testing. Allele origin: germline.
Comment: This sequence change replaces glycine with glutamic acid at codon 133 of the CNTN1 protein (p.Gly133Glu). The glycine residue is highly conserved and there is a moderate physicochemical difference between glycine and glutamic acid. This variant is present in population databases (rs755559017, ExAC 0.002%). This variant has not been reported in the literature in individuals affected with CNTN1-related conditions. Algorithms developed to predict the effect of missense changes on protein structure and function (SIFT, PolyPhen-2, Align-GVGD) all suggest that this variant is likely to be disruptive. In summary, the available evidence is currently insufficient to determine the role of this variant in disease. Therefore, it has been classified as a Variant of Uncertain Significance.

NM_001843.4(CNTN1):c.398G>A (p.Gly133Glu)

Gene: CNTN1 (contactin 1; plus strand). Cytogenetic location: 12q12.
Variant type: single nucleotide variant.
Coding change: c.398G>A on transcript NM_001843.4 (MANE Select); coding-DNA position 398, G replaced by A.
Protein change: p.Gly133Glu; replaces glycine 133 with glutamic acid.
Molecular consequence: missense variant.
Genome position (GRCh38, 1-based): chr12:40,922,426, G>A. VCF-style: chr12-40922426-G-A. GRCh37 (hg19) VCF-style: chr12-41316228-G-A.
Other names: c.398G>A, p.Gly133Glu (NM_001256063.2, NM_001256064.2); c.365G>A, p.Gly122Glu (NM_175038.2); short protein forms G122E, G133E.
Identifiers: ClinVar variation 665134 (VCV000665134.6), dbSNP rs755559017, ClinGen allele CA6516592.
Genomic context (GRCh38, chr12:40,922,426, plus strand): 5'-ACTGTTTAGCATCTAATAACTACGGGATGGTCAGAAGCACTGAAGCAACCCTGAGCTTTG[G>A]ATGTAAGTAAACTGTAACTTTTAAAAAAGGGCAAGCGTGTTTAGGTGAGTTCAGCAAGAA-3'
Protein context (NP_001834.2, residues 123-143): VRSTEATLSF[Gly133Glu]YLDPFPPEER